The following is an entry in ClinVar:

NM_002474.3(MYH11):c.3719T>G (p.Leu1240Arg)

Gene: MYH11 (myosin heavy chain 11; minus strand). Cytogenetic location: 16p13.11.
Variant type: single nucleotide variant.
Coding change: c.3719T>G on transcript NM_002474.3 (MANE Select); coding-DNA position 3719, T replaced by G.
Protein change: p.Leu1240Arg; replaces leucine 1240 with arginine.
Molecular consequence: missense variant.
Genome position (GRCh38, 1-based): chr16:15,726,987, A>C on the plus strand (T>G on the coding strand, the complement: MYH11 is on the minus strand). VCF-style: chr16-15726987-A-C. GRCh37 (hg19) VCF-style: chr16-15820844-A-C.
Other names: c.3740T>G, p.Leu1247Arg (NM_001040113.2, NM_001040114.2); c.3719T>G, p.Leu1240Arg (NM_022844.3); c.3719T>G (NM_002474.2); short protein forms L1240R, L1247R.
Identifiers: ClinVar variation 923438 (VCV000923438.5), dbSNP rs111318460, ClinGen allele CA7921907.

ClinVar aggregate classification (germline): Uncertain significance. Review status: criteria provided, multiple submitters, no conflicts (2 of 4 stars). 2 submissions from 2 submitters: Uncertain significance (2). Last evaluated 2026-07-01.

Conditions:
Familial thoracic aortic aneurysm and aortic dissection (TAAD). Also called: Thoracic aortic aneurysms and dissections. Identifiers: Orphanet 91387, MedGen C4707243, MONDO:0019625.

Allele frequency attached by ClinVar (database versions not stated): gnomAD exomes below 0.00001 and 0.00001; TOPMed below 0.00001; gnomAD 0.00001; ExAC 0.00002.

Submissions (2):

Ambry Genetics
Classification: Uncertain significance for Familial thoracic aortic aneurysm and aortic dissection. Last evaluated: 2026-07-01. Review status: criteria provided, single submitter. Criteria: Ambry Variant Classification Scheme 2023. Collection method: clinical testing. Allele origin: germline.
Comment: The p.L1240R variant (also known as c.3719T>G), located in coding exon 27 of the MYH11 gene, results from a T to G substitution at nucleotide position 3719. The leucine at codon 1240 is replaced by arginine, an amino acid with dissimilar properties. This amino acid position is conserved. In addition, the in silico prediction for this alteration is inconclusive. Based on the available evidence, the clinical significance of this variant remains unclear.

Color Diagnostics, LLC DBA Color Health
Classification: Uncertain significance for Familial thoracic aortic aneurysm and aortic dissection. Last evaluated: 2024-03-06. Review status: criteria provided, single submitter. Criteria: ACMG Guidelines, 2015. Collection method: clinical testing. Allele origin: germline.
Comment: This missense variant replaces leucine with arginine at codon 1247 of the MYH11 protein. Computational prediction suggests that this variant may have deleterious impact on protein structure and function (internally defined REVEL score threshold >= 0.7, PMID: 27666373). Splice site prediction tools suggest that this variant may not impact RNA splicing. To our knowledge, functional studies have not been performed for this variant. This variant has not been reported in individuals affected with cardiovascular disorders in the literature. This variant has been identified in 2/251224 chromosomes in the general population by the Genome Aggregation Database (gnomAD). The available evidence is insufficient to determine the role of this variant in disease conclusively. Therefore, this variant is classified as a Variant of Uncertain Significance.